The following is an entry in ClinVar:

ClinVar aggregate classification (germline): Uncertain significance. Review status: criteria provided, multiple submitters, no conflicts (2 of 4 stars). 2 submissions from 2 submitters: Uncertain significance (2). Last evaluated 2025-08-24.

gnomAD v4.1: 8 of 1,612,234 alleles (0.0005%); highest among the groups gnomAD compares: East Asian, 0.0067%; no homozygotes.

Submissions (2):

Ambry Genetics
Classification: Uncertain significance. Last evaluated: 2025-08-24. Review status: criteria provided, single submitter. Criteria: Ambry Variant Classification Scheme 2023. Collection method: clinical testing. Allele origin: germline.

Labcorp Genetics (formerly Invitae), Labcorp
Classification: Uncertain significance. Last evaluated: 2024-06-13. Review status: criteria provided, single submitter. Criteria: Invitae Variant Classification Sherloc (09022015). Collection method: clinical testing. Allele origin: germline.
Comment: This sequence change replaces alanine, which is neutral and non-polar, with valine, which is neutral and non-polar, at codon 474 of the TRAP1 protein (p.Ala474Val). This variant is present in population databases (rs770379259, gnomAD 0.006%). This variant has not been reported in the literature in individuals affected with TRAP1-related conditions. Advanced modeling of protein sequence and biophysical properties (such as structural, functional, and spatial information, amino acid conservation, physicochemical variation, residue mobility, and thermodynamic stability) performed at Invitae indicates that this missense variant is not expected to disrupt TRAP1 protein function with a negative predictive value of 80%. In summary, the available evidence is currently insufficient to determine the role of this variant in disease. Therefore, it has been classified as a Variant of Uncertain Significance.

NM_016292.3(TRAP1):c.1421C>T (p.Ala474Val)

Genes: DNASE1 (deoxyribonuclease 1; plus strand), TRAP1 (TNF receptor associated protein 1; minus strand). Cytogenetic location: 16p13.3.
Variant type: single nucleotide variant.
Coding change: c.1421C>T on transcript NM_016292.3 (MANE Select); coding-DNA position 1421, C replaced by T.
Protein change: p.Ala474Val; replaces alanine 474 with valine.
Molecular consequence: missense variant. On other transcripts: 3 prime UTR variant (1).
Genome position (GRCh38, 1-based): chr16:3,664,422, G>A on the plus strand (C>T on the coding strand, the complement: TRAP1 is on the minus strand). VCF-style: chr16-3664422-G-A. GRCh37 (hg19) VCF-style: chr16-3714423-G-A.
Other names: c.1262C>T, p.Ala421Val (NM_001272049.2); c.*1798G>A (NM_001387140.1); short protein forms A474V, A421V.
Identifiers: ClinVar variation 3670864 (VCV003670864.3).